The following is an entry in ClinVar:

NM_014362.4(HIBCH):c.796G>A (p.Asp266Asn)

Gene: HIBCH (3-hydroxyisobutyryl-CoA hydrolase; minus strand). Cytogenetic location: 2q32.2.
Variant type: single nucleotide variant.
Coding change: c.796G>A on transcript NM_014362.4 (MANE Select); coding-DNA position 796, G replaced by A.
Protein change: p.Asp266Asn; replaces aspartic acid 266 with asparagine.
Molecular consequence: missense variant.
Genome position (GRCh38, 1-based): chr2:190,246,167, C>T on the plus strand (G>A on the coding strand, the complement: HIBCH is on the minus strand). VCF-style: chr2-190246167-C-T. GRCh37 (hg19) VCF-style: chr2-191110893-C-T.
Other names: p.Asp266Asn; c.796G>A, p.Asp266Asn (NM_198047.3); short protein forms D266N.
Identifiers: ClinVar variation 235593 (VCV000235593.40), dbSNP rs144053672, ClinGen allele CA2027496.

ClinVar aggregate classification (germline): Conflicting classifications of pathogenicity. Review status: criteria provided, conflicting classifications (1 of 4 stars). 7 submissions from 7 submitters: Uncertain significance (1); Benign (1); Likely benign (4). 1 of the submissions does not count toward it. Last evaluated 2026-06-01.

Conditions:
HIBCH-related disorder. Also called: HIBCH-related condition.
3-hydroxyisobutyryl-CoA hydrolase deficiency. Also called: METHACRYLIC ACID TOXICITY; METHACRYLIC ACIDURIA; VALINE METABOLIC DEFECT; Reduced circulating 3-hydroxyisobutyryl-CoA hydrolase activity; Deficiency of 3-hydroxyisobutyryl CoA hydrolase; HIBCH DEFICIENCY. Identifiers: Orphanet 88639, MedGen C0342738, MONDO:0009603, OMIM 250620, HP:6000215.

Allele frequency attached by ClinVar (database versions not stated): 1000 Genomes Project 30x 0.00078; 1000 Genomes Project 0.00080; gnomAD exomes 0.00253 and 0.00440; ExAC 0.00271; TOPMed 0.00288; gnomAD 0.00300 and 0.00316; ESP Exome Variant Server 0.00385.
gnomAD v4.1: 6,714 of 1,581,178 alleles (0.42%); highest among the groups gnomAD compares: Non-Finnish European, 0.54%; 19 homozygotes.

Submissions (7):

CeGaT Center for Human Genetics Tuebingen
Classification: Likely benign. Last evaluated: 2026-06-01. Review status: criteria provided, single submitter. Criteria: CeGaT Center For Human Genetics Tuebingen Variant Classification Criteria Version 2. Collection method: clinical testing. Allele origin: germline. Affected: yes. Observed: 18 variant alleles.
Comment: HIBCH: BP4, BS2

Labcorp Genetics (formerly Invitae), Labcorp
Classification: Likely benign for 3-hydroxyisobutyryl-CoA hydrolase deficiency. Last evaluated: 2026-01-28. Review status: criteria provided, single submitter. Criteria: Invitae Variant Classification Sherloc (09022015). Collection method: clinical testing. Allele origin: germline.

Mayo Clinic Laboratories, Mayo Clinic
Classification: Benign. Last evaluated: 2025-08-20. Review status: criteria provided, single submitter. Criteria: ACMG Guidelines, 2015. Collection method: clinical testing. Allele origin: germline. Observed: 16 variant alleles.
Comment: BS1, BS2, BP4_moderate

Blueprint Genetics
Classification: Likely benign. Last evaluated: 2024-11-21. Review status: criteria provided, single submitter. Criteria: ACMG Guidelines, 2015. Collection method: clinical testing. Allele origin: germline.

Department of Pathology and Laboratory Medicine, Sinai Health System
Classification: Likely benign for 3-hydroxyisobutyryl-CoA hydrolase deficiency. Last evaluated: 2023-08-28. Review status: criteria provided, single submitter. Criteria: ACMG Guidelines, 2015. Collection method: research. Allele origin: germline.

Center for Pediatric Genomic Medicine, Children's Mercy Hospital and Clinics
Classification: Uncertain significance. Last evaluated: 2015-06-12. Review status: criteria provided, single submitter. Criteria: ACMG Guidelines, 2015. Collection method: clinical testing. Allele origin: germline.
ClinVar note: Converted during submission from Uncertain Significance to Uncertain significance.

PreventionGenetics, part of Exact Sciences
Classification: Likely benign for HIBCH-related condition. Last evaluated: 2024-03-04. Review status: no assertion criteria provided. Collection method: clinical testing. Allele origin: germline. Not counted in ClinVar's aggregate classification.
Comment: This variant is classified as likely benign based on ACMG/AMP sequence variant interpretation guidelines (Richards et al. 2015 PMID: 25741868, with internal and published modifications).

Literature cited by the submitters: PubMed 31785789 (cited by Mayo Clinic Laboratories, Mayo Clinic); PubMed 33057194 (cited by Mayo Clinic Laboratories, Mayo Clinic); PubMed 35982159 (cited by Mayo Clinic Laboratories, Mayo Clinic).